The following is an entry in ClinVar:

NM_003036.4(SKI):c.572A>G (p.Tyr191Cys)

Gene: SKI (SKI proto-oncogene; plus strand). Cytogenetic location: 1p36.33.
Variant type: single nucleotide variant.
Coding change: c.572A>G on transcript NM_003036.4 (MANE Select); coding-DNA position 572, A replaced by G.
Protein change: p.Tyr191Cys; replaces tyrosine 191 with cysteine.
Molecular consequence: missense variant.
Genome position (GRCh38, 1-based): chr1:2,229,338, A>G. VCF-style: chr1-2229338-A-G. GRCh37 (hg19) VCF-style: chr1-2160777-A-G.
Other names: short protein forms Y191C.
Identifiers: ClinVar variation 1430801 (VCV001430801.6), dbSNP rs758199656, ClinGen allele CA536413.

ClinVar aggregate classification (germline): Uncertain significance (1 of 4 stars; one submission).

Conditions:
Shprintzen-Goldberg syndrome (SGS). Also called: SHPRINTZEN-GOLDBERG CRANIOSYNOSTOSIS SYNDROME; CRANIOSYNOSTOSIS WITH ARACHNODACTYLY AND ABDOMINAL HERNIAS; Marfanoid disorder with craniosynostosis type 1; Marfanoid craniosynostosis syndrome; Shprintzen-Goldberg marfanoid syndrome. Identifiers: Orphanet 2462, MedGen C1321551, MONDO:0008426, OMIM 182212.

Allele frequency attached by ClinVar (database versions not stated): gnomAD exomes below 0.00001; ExAC 0.00002.
gnomAD v4.1: 4 of 1,595,316 alleles (0.00025%); highest among the groups gnomAD compares: Non-Finnish European, 0.00026%; no homozygotes.

Submission:

Labcorp Genetics (formerly Invitae), Labcorp
Classification: Uncertain significance for Shprintzen-Goldberg syndrome. Last evaluated: 2022-02-25. Review status: criteria provided, single submitter. Criteria: Invitae Variant Classification Sherloc (09022015). Collection method: clinical testing. Allele origin: germline.
Comment: The frequency data for this variant in the population databases is considered unreliable, as metrics indicate poor data quality at this position in the gnomAD database. This sequence change replaces tyrosine, which is neutral and polar, with cysteine, which is neutral and slightly polar, at codon 191 of the SKI protein (p.Tyr191Cys). This variant has not been reported in the literature in individuals affected with SKI-related conditions. In summary, the available evidence is currently insufficient to determine the role of this variant in disease. Therefore, it has been classified as a Variant of Uncertain Significance. Advanced modeling of protein sequence and biophysical properties (such as structural, functional, and spatial information, amino acid conservation, physicochemical variation, residue mobility, and thermodynamic stability) performed at Invitae indicates that this missense variant is expected to disrupt SKI protein function.